The following is an entry in ClinVar:

NM_003835.4(RGS9):c.1308G>A (p.Met436Ile)

Gene: RGS9 (regulator of G protein signaling 9; plus strand). Cytogenetic location: 17q24.1.
Variant type: single nucleotide variant.
Coding change: c.1308G>A on transcript NM_003835.4 (MANE Select); coding-DNA position 1308, G replaced by A.
Protein change: p.Met436Ile; replaces methionine 436 with isoleucine.
Molecular consequence: missense variant.
Genome position (GRCh38, 1-based): chr17:65,210,506, G>A. VCF-style: chr17-65210506-G-A. GRCh37 (hg19) VCF-style: chr17-63206624-G-A.
Other names: c.1299G>A, p.Met433Ile (NM_001081955.3, NM_001165933.2); short protein forms M436I, M433I.
Identifiers: ClinVar variation 1462423 (VCV001462423.8), dbSNP rs2144109294, ClinGen allele CA400672717.

ClinVar aggregate classification (germline): Uncertain significance (1 of 4 stars; one submission).

Submission:

Labcorp Genetics (formerly Invitae), Labcorp
Classification: Uncertain significance. Last evaluated: 2021-05-05. Review status: criteria provided, single submitter. Criteria: Invitae Variant Classification Sherloc (09022015). Collection method: clinical testing. Allele origin: germline.
Comment: Algorithms developed to predict the effect of missense changes on protein structure and function (SIFT, PolyPhen-2, Align-GVGD) all suggest that this variant is likely to be tolerated, but these predictions have not been confirmed by published functional studies and their clinical significance is uncertain. In summary, the available evidence is currently insufficient to determine the role of this variant in disease. Therefore, it has been classified as a Variant of Uncertain Significance. This variant has not been reported in the literature in individuals with RGS9-related conditions. This variant is not present in population databases (ExAC no frequency). This sequence change replaces methionine with isoleucine at codon 436 of the RGS9 protein (p.Met436Ile). The methionine residue is moderately conserved and there is a small physicochemical difference between methionine and isoleucine.